The following is an entry in ClinVar:

ClinVar aggregate classification (germline): Uncertain significance. Review status: criteria provided, multiple submitters, no conflicts (2 of 4 stars). 2 submissions from 2 submitters: Uncertain significance (2). Last evaluated 2026-02-13.

Conditions:
MYH14-related disorder. Also called: MYH14-related condition.

gnomAD v4.1: 9 of 1,605,256 alleles (0.00056%); highest among the groups gnomAD compares: Non-Finnish European, 0.00068%; no homozygotes.

Submissions (2):

PreventionGenetics, part of Exact Sciences
Classification: Uncertain significance for MYH14-related condition. Last evaluated: 2026-02-13. Review status: criteria provided, single submitter. Criteria: ACMG Guidelines, 2015. Collection method: clinical testing. Allele origin: germline.
Comment: The MYH14 c.5266G>A variant is predicted to result in the amino acid substitution p.Ala1756Thr. To our knowledge, this variant has not been reported in the literature. This variant is reported in 0.010% of alleles in individuals of Ashkenazi Jewish descent in gnomAD. At this time, the clinical significance of this variant is uncertain due to the absence of conclusive functional and genetic evidence.

CeGaT Center for Human Genetics Tuebingen
Classification: Uncertain significance. Last evaluated: 2024-10-01. Review status: criteria provided, single submitter. Criteria: CeGaT Center For Human Genetics Tuebingen Variant Classification Criteria Version 2. Collection method: clinical testing. Allele origin: germline. Affected: yes. Observed: 1 variant allele.

NM_001145809.2(MYH14):c.5266G>A (p.Ala1756Thr)

Gene: MYH14 (myosin heavy chain 14; plus strand). Cytogenetic location: 19q13.33.
Variant type: single nucleotide variant.
Coding change: c.5266G>A on transcript NM_001145809.2 (MANE Select); coding-DNA position 5266, G replaced by A.
Protein change: p.Ala1756Thr; replaces alanine 1756 with threonine.
Molecular consequence: missense variant.
Genome position (GRCh38, 1-based): chr19:50,293,242, G>A. VCF-style: chr19-50293242-G-A. GRCh37 (hg19) VCF-style: chr19-50796499-G-A.
Other names: c.5167G>A, p.Ala1723Thr (NM_001077186.2); c.5143G>A, p.Ala1715Thr (NM_024729.4); c.5266G>A (NM_001145809.1); short protein forms A1715T, A1723T, A1756T.
Identifiers: ClinVar variation 3388406 (VCV003388406.15).